The following is an entry in ClinVar:

ClinVar aggregate classification (germline): Uncertain significance (1 of 4 stars; one submission).

Submission:

GeneDx
Classification: Uncertain significance. Last evaluated: 2024-05-15. Review status: criteria provided, single submitter. Criteria: GeneDx Variant Classification Process June 2021. Collection method: clinical testing. Allele origin: germline. Affected: yes.
Comment: Not observed at significant frequency in large population cohorts (gnomAD); Missense variant in a gene in which most reported pathogenic variants are truncating/loss of function; Has not been previously published as pathogenic or benign to our knowledge; This variant is associated with the following publications: (PMID: 23975875)

NM_001267550.2(TTN):c.27415C>T (p.Pro9139Ser)

Gene: TTN (titin; minus strand). Cytogenetic location: 2q31.2.
Variant type: single nucleotide variant.
Coding change: c.27415C>T on transcript NM_001267550.2 (MANE Select); coding-DNA position 27415, C replaced by T.
Protein change: p.Pro9139Ser; replaces proline 9139 with serine.
Molecular consequence: missense variant. On other transcripts: intron variant (3).
Genome position (GRCh38, 1-based): chr2:178,712,507, G>A on the plus strand (C>T on the coding strand, the complement: TTN is on the minus strand). VCF-style: chr2-178712507-G-A. GRCh37 (hg19) VCF-style: chr2-179577234-G-A.
Other names: c.26464C>T, p.Pro8822Ser (NM_001256850.1); c.23683C>T, p.Pro7895Ser (NM_133378.4); c.13282+25575C>T (NM_003319.4); c.13858+25575C>T (NM_133437.4); c.13657+25575C>T (NM_133432.3); short protein forms P7895S, P8822S, P9139S.
Identifiers: ClinVar variation 3378062 (VCV003378062.1).